The following is an entry in ClinVar:

ClinVar aggregate classification (germline): Uncertain significance (1 of 4 stars; one submission).

Conditions:
Hereditary cancer-predisposing syndrome. Also called: Tumor predisposition; Neoplastic Syndromes, Hereditary; Hereditary Cancer Syndrome; Hereditary neoplastic syndrome. Identifiers: Orphanet 140162, MedGen C0027672, MeSH D009386, MONDO:0015356.

Submission:

Ambry Genetics
Classification: Uncertain significance for Hereditary cancer-predisposing syndrome. Last evaluated: 2024-10-11. Review status: criteria provided, single submitter. Criteria: Ambry Variant Classification Scheme 2023. Collection method: clinical testing. Allele origin: germline.
Comment: The p.S447Y variant (also known as c.1340C>A), located in coding exon 9 of the FLCN gene, results from a C to A substitution at nucleotide position 1340. The serine at codon 447 is replaced by tyrosine, an amino acid with dissimilar properties. This amino acid position is conserved. In addition, the in silico prediction for this alteration is inconclusive. Based on the available evidence, the clinical significance of this variant remains unclear.

NM_144997.7(FLCN):c.1340C>A (p.Ser447Tyr)

Gene: FLCN (folliculin; minus strand). Cytogenetic location: 17p11.2.
Variant type: single nucleotide variant.
Coding change: c.1340C>A on transcript NM_144997.7 (MANE Select); coding-DNA position 1340, C replaced by A.
Protein change: p.Ser447Tyr; replaces serine 447 with tyrosine.
Molecular consequence: missense variant.
Genome position (GRCh38, 1-based): chr17:17,215,277, G>T on the plus strand (C>A on the coding strand, the complement: FLCN is on the minus strand). VCF-style: chr17-17215277-G-T. GRCh37 (hg19) VCF-style: chr17-17118591-G-T.
Other names: c.1394C>A, p.Ser465Tyr (NM_001353229.2); c.1340C>A, p.Ser447Tyr (NM_001353230.2, NM_001353231.2); short protein forms S447Y, S465Y.
Identifiers: ClinVar variation 3515654 (VCV003515654.1).
Genomic context (GRCh38, chr17:17,215,277, plus strand): 5'-ACCACAAACTCGTACTTGCTGAGAGACTGGTCATCCTCACACCCCACAGGGTGGAGGGTG[G>T]AACGTGCGGCTGCGTGGACCTCCACGATGACAGCAAACTCTGTAACAACACAAGGCCCGT-3'
Protein context (NP_659434.2, residues 437-457): VIVEVHAAAR[Ser447Tyr]TLHPVGCEDD